The following is an entry in ClinVar:

NM_001429.4(EP300):c.1517del (p.Met506fs)

Gene: EP300 (E1A binding protein p300; plus strand). Cytogenetic location: 22q13.2.
Variant type: Deletion.
Coding change: c.1517del on transcript NM_001429.4 (MANE Select); coding-DNA position 1517, one base deleted (T; older notation c.1517delT).
Protein change: p.Met506fs; shifts the reading frame from methionine 506.
Molecular consequence: frameshift variant.
Genome position (GRCh38, 1-based): chr22:41,131,622, T deleted. VCF-style (leftmost placement, unchanged base first): chr22-41131621-AT-A. GRCh37 (hg19) VCF-style: chr22-41527625-AT-A.
Other names: c.1517del, p.Met506fs (NM_001362843.2); short protein forms M506fs.
Identifiers: ClinVar variation 817436 (VCV000817436.1), dbSNP rs1601607265, ClinGen allele CA915951497.

ClinVar aggregate classification (germline): Pathogenic (1 of 4 stars; one submission).

Submission:

GeneDx
Classification: Pathogenic. Last evaluated: 2019-02-22. Review status: criteria provided, single submitter. Criteria: GeneDx Variant Classification (06012015). Collection method: clinical testing. Allele origin: germline. Affected: yes.
Comment: The c.1517delT variant in the EP300 gene has not been reported previously as a pathogenic variant nor as a benign variant, to our knowledge. The c.1517delT variant causes a frameshift starting with codon Methionine 506, changes this amino acid to an Arginine residue, and creates a premature Stop codon at position 4 of the new reading frame, denoted p.Met506ArgfsX4. This variant is predicted to cause loss of normal protein function either through protein truncation or nonsense-mediated mRNA decay. The c.1517delT variant is not observed in large population cohorts (Lek et al., 2016). We interpret c.1517delT as a pathogenic variant.